The following is an entry in ClinVar:

ClinVar aggregate classification (germline): Uncertain significance (1 of 4 stars; one submission).

Allele frequency attached by ClinVar (database versions not stated): gnomAD 0.00001; ExAC 0.00002; gnomAD exomes 0.00002; TOPMed 0.00003; ESP Exome Variant Server 0.00015.

Submission:

Labcorp Genetics (formerly Invitae), Labcorp
Classification: Uncertain significance. Last evaluated: 2024-02-23. Review status: criteria provided, single submitter. Criteria: Invitae Variant Classification Sherloc (09022015). Collection method: clinical testing. Allele origin: germline.
Comment: This sequence change replaces glycine, which is neutral and non-polar, with serine, which is neutral and polar, at codon 806 of the ARHGEF1 protein (p.Gly806Ser). This variant is present in population databases (rs138831877, gnomAD 0.007%). This variant has not been reported in the literature in individuals affected with ARHGEF1-related conditions. ClinVar contains an entry for this variant (Variation ID: 1420687). Algorithms developed to predict the effect of missense changes on protein structure and function output the following: SIFT: "Not Available"; PolyPhen-2: "Benign"; Align-GVGD: "Not Available". The serine amino acid residue is found in multiple mammalian species, which suggests that this missense change does not adversely affect protein function. In summary, the available evidence is currently insufficient to determine the role of this variant in disease. Therefore, it has been classified as a Variant of Uncertain Significance.

NM_004706.4(ARHGEF1):c.2371G>A (p.Gly791Ser)

Gene: ARHGEF1 (Rho guanine nucleotide exchange factor 1; plus strand). Cytogenetic location: 19q13.2.
Variant type: single nucleotide variant.
Coding change: c.2371G>A on transcript NM_004706.4 (MANE Select); coding-DNA position 2371, G replaced by A.
Protein change: p.Gly791Ser; replaces glycine 791 with serine.
Molecular consequence: missense variant.
Genome position (GRCh38, 1-based): chr19:41,905,794, G>A. VCF-style: chr19-41905794-G-A. GRCh37 (hg19) VCF-style: chr19-42409946-G-A.
Other names: c.2272G>A, p.Gly758Ser (NM_198977.2); c.2416G>A, p.Gly806Ser (NM_199002.2); short protein forms G791S, G806S, G758S.
Identifiers: ClinVar variation 1420687 (VCV001420687.6), dbSNP rs138831877, ClinGen allele CA9466693.